The following is an entry in ClinVar:

NM_001283009.2(RTEL1):c.538+4C>G

Genes: RTEL1 (regulator of telomere elongation helicase 1; plus strand), RTEL1-TNFRSF6B (RTEL1-TNFRSF6B readthrough (NMD candidate); plus strand). Cytogenetic location: 20q13.33.
Variant type: single nucleotide variant.
Coding change: c.538+4C>G on transcript NM_001283009.2 (MANE Select); 4 bases into the intron after coding-DNA position 538, C replaced by G.
Molecular consequence: intron variant.
Genome position (GRCh38, 1-based): chr20:63,662,893, C>G. VCF-style: chr20-63662893-C-G. GRCh37 (hg19) VCF-style: chr20-62294246-C-G.
Other names: c.-132+4C>G (NM_001283010.1); c.610+4C>G (NM_032957.5); c.538+4C>G (NM_016434.4).
Identifiers: ClinVar variation 3762365 (VCV003762365.2).

ClinVar aggregate classification (germline): Uncertain significance (1 of 4 stars; one submission).

Conditions:
Dyskeratosis congenita, autosomal recessive 5 (DKCB5). Identifiers: MedGen C3554656, MONDO:0014076, OMIM 615190.
Pulmonary fibrosis and/or bone marrow failure, Telomere-related, 3. Also called: PULMONARY FIBROSIS AND/OR BONE MARROW FAILURE SYNDROME, TELOMERE-RELATED, 3. Identifiers: Orphanet 2032, MedGen C4225346, MONDO:0014613, OMIM 616373.

gnomAD v4.1: 3 of 1,613,792 alleles (0.00019%); highest among the groups gnomAD compares: Non-Finnish European, 0.00025%; no homozygotes.

Submission:

Labcorp Genetics (formerly Invitae), Labcorp
Classification: Uncertain significance for Dyskeratosis congenita, autosomal recessive 5; Pulmonary fibrosis and/or bone marrow failure, Telomere-related, 3. Last evaluated: 2024-11-25. Review status: criteria provided, single submitter. Criteria: Invitae Variant Classification Sherloc (09022015). Collection method: clinical testing. Allele origin: germline.
Comment: This sequence change falls in intron 6 of the RTEL1 gene. It does not directly change the encoded amino acid sequence of the RTEL1 protein. It affects a nucleotide within the consensus splice site. This variant is not present in population databases (gnomAD no frequency). This variant has not been reported in the literature in individuals affected with RTEL1-related conditions. Variants that disrupt the consensus splice site are a relatively common cause of aberrant splicing (PMID: 17576681, 9536098). Algorithms developed to predict the effect of sequence changes on RNA splicing suggest that this variant is not likely to affect RNA splicing. In summary, the available evidence is currently insufficient to determine the role of this variant in disease. Therefore, it has been classified as a Variant of Uncertain Significance.

Literature cited by the submitters: PubMed 17576681; PubMed 9536098.